The following is an entry in ClinVar:

ClinVar aggregate classification (germline): Uncertain significance (1 of 4 stars; one submission).

Conditions:
Inborn genetic diseases. Identifiers: MedGen C0950123, MeSH D030342.

gnomAD v4.1: 1 of 1,612,116 alleles (0.000062%); highest among the groups gnomAD compares: Non-Finnish European, 0.000085%; no homozygotes.

Submission:

Ambry Genetics
Classification: Uncertain significance for Inborn genetic diseases. Last evaluated: 2024-10-11. Review status: criteria provided, single submitter. Criteria: Ambry Variant Classification Scheme 2023. Collection method: clinical testing. Allele origin: germline.
Comment: The p.R265I variant (also known as c.794G>T), located in coding exon 7 of the LRRK2 gene, results from a G to T substitution at nucleotide position 794. The arginine at codon 265 is replaced by isoleucine, an amino acid with similar properties. This amino acid position is conserved. In addition, this alteration is predicted to be tolerated by in silico analysis. Based on the available evidence, the clinical significance of this variant remains unclear.

NM_198578.4(LRRK2):c.794G>T (p.Arg265Ile)

Gene: LRRK2 (leucine rich repeat kinase 2; plus strand). Cytogenetic location: 12q12.
Variant type: single nucleotide variant.
Coding change: c.794G>T on transcript NM_198578.4 (MANE Select); coding-DNA position 794, G replaced by T.
Protein change: p.Arg265Ile; replaces arginine 265 with isoleucine.
Molecular consequence: missense variant.
Genome position (GRCh38, 1-based): chr12:40,243,637, G>T. VCF-style: chr12-40243637-G-T. GRCh37 (hg19) VCF-style: chr12-40637439-G-T.
Other names: short protein forms R265I.
Identifiers: ClinVar variation 3540501 (VCV003540501.1).